The following is an entry in ClinVar:

NM_138694.4(PKHD1):c.10684C>A (p.His3562Asn)

Gene: PKHD1 (PKHD1 ciliary IPT domain containing fibrocystin/polyductin; minus strand). Cytogenetic location: 6p12.3.
Variant type: single nucleotide variant.
Coding change: c.10684C>A on transcript NM_138694.4 (MANE Select); coding-DNA position 10684, C replaced by A.
Protein change: p.His3562Asn; replaces histidine 3562 with asparagine.
Molecular consequence: missense variant.
Genome position (GRCh38, 1-based): chr6:51,659,442, G>T on the plus strand (C>A on the coding strand, the complement: PKHD1 is on the minus strand). VCF-style: chr6-51659442-G-T. GRCh37 (hg19) VCF-style: chr6-51524240-G-T.
Other names: p.His3562Asn; short protein forms H3562N.
Identifiers: ClinVar variation 291149 (VCV000291149.19), dbSNP rs140419956, ClinGen allele CA3851032.

ClinVar aggregate classification (germline): Uncertain significance. Review status: criteria provided, multiple submitters, no conflicts (2 of 4 stars). 9 submissions from 9 submitters: Uncertain significance (8). 1 of the submissions does not count toward it. Last evaluated 2026-07-17.

Conditions:
PKHD1-related disorder. Also called: PKHD1-related condition.
Autosomal recessive polycystic kidney disease (ARPKD). Also called: AR polycystic kidney disease. Identifiers: Orphanet 731, Orphanet 8378, MedGen C0085548, MeSH D017044, MONDO:0009889.
Polycystic kidney disease 4 (PKD4). Also called: POLYCYSTIC KIDNEY DISEASE 4 WITH OR WITHOUT POLYCYSTIC LIVER DISEASE; Autosomal Recessive Polycystic Kidney Disease – PKHD1; PKD3; POLYCYSTIC KIDNEY AND HEPATIC DISEASE 1; POLYCYSTIC KIDNEY DISEASE, INFANTILE, TYPE I. Identifiers: MedGen C4540575, MONDO:0033004, OMIM 263200.
Inborn genetic diseases. Identifiers: MedGen C0950123, MeSH D030342.

Allele frequency attached by ClinVar (database versions not stated): ExAC 0.00005; gnomAD exomes 0.00006 and 0.00008; ESP Exome Variant Server 0.00008; gnomAD 0.00016 and 0.00017; TOPMed 0.00019.
gnomAD v4.1: 111 of 1,613,564 alleles (0.0069%); highest among the groups gnomAD compares: Admixed American, 0.047%; no homozygotes.

Submissions (9):

GeneDx
Classification: Uncertain significance. Last evaluated: 2026-07-17. Review status: criteria provided, single submitter. Criteria: GeneDx Variant Classification Process June 2021. Collection method: clinical testing. Allele origin: germline.
Comment: Not observed at significant frequency in large population cohorts (gnomAD); In silico analysis supports that this missense variant has a deleterious effect on protein structure/function; Has not been previously published as pathogenic or benign to our knowledge

Labcorp Genetics (formerly Invitae), Labcorp
Classification: Uncertain significance for Autosomal recessive polycystic kidney disease. Last evaluated: 2024-10-23. Review status: criteria provided, single submitter. Criteria: Invitae Variant Classification Sherloc (09022015). Collection method: clinical testing. Allele origin: germline.
Comment: This sequence change replaces histidine, which is basic and polar, with asparagine, which is neutral and polar, at codon 3562 of the PKHD1 protein (p.His3562Asn). This variant is present in population databases (rs140419956, gnomAD 0.01%). This variant has not been reported in the literature in individuals affected with PKHD1-related conditions. ClinVar contains an entry for this variant (Variation ID: 291149). Invitae Evidence Modeling of protein sequence and biophysical properties (such as structural, functional, and spatial information, amino acid conservation, physicochemical variation, residue mobility, and thermodynamic stability) indicates that this missense variant is not expected to disrupt PKHD1 protein function with a negative predictive value of 95%. In summary, the available evidence is currently insufficient to determine the role of this variant in disease. Therefore, it has been classified as a Variant of Uncertain Significance.

Fulgent Genetics
Classification: Uncertain significance for Polycystic kidney disease 4. Last evaluated: 2024-03-26. Review status: criteria provided, single submitter. Criteria: ACMG Guidelines, 2015. Collection method: clinical testing. Allele origin: germline.

Blueprint Genetics
Classification: Uncertain significance. Last evaluated: 2024-01-18. Review status: criteria provided, single submitter. Criteria: ACMG Guidelines, 2015. Collection method: clinical testing. Allele origin: germline.

Mayo Clinic Laboratories, Mayo Clinic
Classification: Uncertain significance. Last evaluated: 2022-07-26. Review status: criteria provided, single submitter. Criteria: ACMG Guidelines, 2015. Collection method: clinical testing. Allele origin: germline. Observed: 1 variant allele.
Comment: PM2

Ambry Genetics
Classification: Uncertain significance for Inborn genetic diseases. Last evaluated: 2021-06-22. Review status: criteria provided, single submitter. Criteria: Ambry Variant Classification Scheme 2023. Collection method: clinical testing. Allele origin: germline.

Illumina Laboratory Services, Illumina
Classification: Uncertain significance for Polycystic kidney disease 4. Last evaluated: 2018-01-13. Review status: criteria provided, single submitter. Criteria: ICSL Variant Classification Criteria 13 December 2019. Collection method: clinical testing. Allele origin: germline.

Eurofins Ntd Llc (ga)
Classification: Uncertain significance. Last evaluated: 2018-01-12. Review status: criteria provided, single submitter. Criteria: EGL Classification Definitions 2015. Collection method: clinical testing. Allele origin: germline. Observed: 4 variant alleles, 4 heterozygotes.

PreventionGenetics, part of Exact Sciences
Classification: Uncertain significance for PKHD1-related condition. Last evaluated: 2024-07-24. Review status: no assertion criteria provided. Collection method: clinical testing. Allele origin: germline. Not counted in ClinVar's aggregate classification.
Comment: The PKHD1 c.10684C>A variant is predicted to result in the amino acid substitution p.His3562Asn. To our knowledge, this variant has not been reported in the literature. This variant is reported in 0.012% of alleles in individuals of European (Non-Finnish) descent in gnomAD. At this time, the clinical significance of this variant is uncertain due to the absence of conclusive functional and genetic evidence.